The following is an entry in ClinVar:

ClinVar aggregate classification (germline): Uncertain significance (1 of 4 stars; one submission).

Allele frequency attached by ClinVar (database versions not stated): gnomAD 0.00001; gnomAD exomes 0.00001; TOPMed 0.00001; ExAC 0.00002.

Submission:

Labcorp Genetics (formerly Invitae), Labcorp
Classification: Uncertain significance. Last evaluated: 2022-10-17. Review status: criteria provided, single submitter. Criteria: Invitae Variant Classification Sherloc (09022015). Collection method: clinical testing. Allele origin: germline.
Comment: In summary, the available evidence is currently insufficient to determine the role of this variant in disease. Therefore, it has been classified as a Variant of Uncertain Significance. Algorithms developed to predict the effect of missense changes on protein structure and function (SIFT, PolyPhen-2, Align-GVGD) all suggest that this variant is likely to be disruptive. ClinVar contains an entry for this variant (Variation ID: 1381736). This missense change has been observed in individual(s) with Parkinson disease (PMID: 22190368). This variant is present in population databases (rs756137289, gnomAD 0.003%). This sequence change replaces histidine, which is basic and polar, with arginine, which is basic and polar, at codon 37 of the ANG protein (p.His37Arg).

Literature cited by the submitters: PubMed 22190368.

NM_001097577.3(ANG):c.110A>G (p.His37Arg)

Genes: RNASE4 (ribonuclease A family member 4; plus strand), ANG (angiogenin; plus strand), EGILA (EGFR interacting lncRNA; minus strand). Cytogenetic location: 14q11.2.
Variant type: single nucleotide variant.
Coding change: c.110A>G on transcript NM_001097577.3 (MANE Select); coding-DNA position 110, A replaced by G.
Protein change: p.His37Arg; replaces histidine 37 with arginine.
Molecular consequence: missense variant. On other transcripts: non-coding transcript variant (1), intron variant (4).
Genome position (GRCh38, 1-based): chr14:20,693,674, A>G. VCF-style: chr14-20693674-A-G. GRCh37 (hg19) VCF-style: chr14-21161833-A-G.
Other names: c.110A>G, p.His37Arg (NM_001145.4, NM_001385271.1, NM_001385272.1 and 2 more transcripts); c.-18+24A>G (NM_001282192.2); c.-17-5681A>G (NM_002937.5, NM_001282193.2); c.-18+4800A>G (NM_194431.3); short protein forms H37R.
Identifiers: ClinVar variation 1381736 (VCV001381736.6), dbSNP rs756137289, ClinGen allele CA7083140.
Genomic context (GRCh38, chr14:20,693,674, plus strand): 5'-GTCTGACCCCACCGACCCTGGCTCAGGATAACTCCAGGTACACACACTTCCTGACCCAGC[A>G]CTATGATGCCAAACCACAGGGCCGGGATGACAGATACTGTGAAAGCATCATGAGGAGACG-3'
Protein context (NP_001091046.1, residues 27-47): NSRYTHFLTQ[His37Arg]YDAKPQGRDD